The following is an entry in ClinVar:

NM_000169.3(GLA):c.1122_1125del (p.Gly375fs)

Genes: GLA (galactosidase alpha; minus strand), RPL36A-HNRNPH2 (RPL36A-HNRNPH2 readthrough; plus strand). Cytogenetic location: Xq22.1.
Variant type: Deletion.
Coding change: c.1122_1125del on transcript NM_000169.3 (MANE Select); coding-DNA positions 1122 to 1125, 4 bases deleted (AGGA; older notation c.1122_1125delAGGA).
Protein change: p.Gly375fs; shifts the reading frame from glycine 375.
Molecular consequence: frameshift variant. On other transcripts: non-coding transcript variant (3), intron variant (2).
Genome position (GRCh38, 1-based): chrX:101,397,974-101,397,977, TCCT deleted on the plus strand (AGGA on the coding strand, the reverse complement: GLA is on the minus strand); deleting any 4 consecutive bases within chrX:101,397,974-101,397,978 gives the same sequence; the c. name uses the placement nearest the transcript's 3' end. VCF-style (leftmost placement, unchanged base first): chrX-101397973-CTCCT-C. GRCh37 (hg19) VCF-style: chrX-100652961-CTCCT-C.
Other names: c.1245_1248del, p.Gly416fs (NM_001406747.1); c.300+2518_300+2521del (NM_001199973.2); c.177+6153_177+6156del (NM_001199974.2); short protein forms G375fs, G416fs.
Identifiers: ClinVar variation 4974842 (VCV004974842.1).

ClinVar aggregate classification (germline): Pathogenic (1 of 4 stars; one submission).

Conditions:
Fabry disease. Also called: Fabry's disease; ALPHA-GALACTOSIDASE A DEFICIENCY; ANDERSON-FABRY DISEASE; CERAMIDE TRIHEXOSIDASE DEFICIENCY; GLA DEFICIENCY; HEREDITARY DYSTOPIC LIPIDOSIS. Identifiers: Orphanet 324, MedGen C0002986, MONDO:0010526, OMIM 301500, HP:0001071. Disease mechanism: Fabry disease is due to inactivating mutations in the X-linked GLA gene resulting in deficiency of the enzyme Alpha Galactosidase-A., loss of function.

Submission:

Genomenon, Inc
Classification: Pathogenic for Fabry disease. Last evaluated: 2026-09-08. Review status: criteria provided, single submitter. Criteria: Genomenon Sequence Variant Interpretation Standards - Updated. Collection method: curation. Allele origin: germline. Affected: yes.
Comment: GLA p.Gly375TrpfsTer15 (c.1122_1125del) is a frameshift variant that is predicted to introduce a premature termination codon and result in a truncated or absent protein product. This variant has been observed in at least one proband with clinical features consistent with Fabry disease (PMID:30316069). It is absent or not present at a significant frequency in gnomAD. In conclusion, we classify GLA p.Gly375TrpfsTer15 (c.1122_1125del) as a pathogenic variant.

Literature cited by the submitters: PubMed 30316069.